The following is an entry in ClinVar:

NM_001330260.2(SCN8A):c.4156G>A (p.Glu1386Lys)

Gene: SCN8A (sodium voltage-gated channel alpha subunit 8; plus strand). Cytogenetic location: 12q13.13.
Variant type: single nucleotide variant.
Coding change: c.4156G>A on transcript NM_001330260.2 (MANE Select); coding-DNA position 4156, G replaced by A.
Protein change: p.Glu1386Lys; replaces glutamic acid 1386 with lysine.
Molecular consequence: missense variant.
Genome position (GRCh38, 1-based): chr12:51,786,755, G>A. VCF-style: chr12-51786755-G-A. GRCh37 (hg19) VCF-style: chr12-52180539-G-A.
Other names: c.4033G>A, p.Glu1345Lys (NM_001177984.3, NM_001369788.1); c.4156G>A, p.Glu1386Lys (NM_014191.4); short protein forms E1345K, E1386K.
Identifiers: ClinVar variation 3363338 (VCV003363338.1).

ClinVar aggregate classification (germline): Uncertain significance (1 of 4 stars; one submission).

Submission:

GeneDx
Classification: Uncertain significance. Last evaluated: 2023-10-25. Review status: criteria provided, single submitter. Criteria: GeneDx Variant Classification Process June 2021. Collection method: clinical testing. Allele origin: germline. Affected: yes.
Comment: Not observed at significant frequency in large population cohorts (gnomAD); Missense variants in this gene are a common cause of disease and they are underrepresented in the general population; In silico analysis supports that this missense variant does not alter protein structure/function; This substitution is predicted to be within the extracellular loop between the S5 and S6 transmembrane segments of the third homologous domain; Has not been previously published as pathogenic or benign to our knowledge